The following is an entry in ClinVar:

NM_022489.4(INF2):c.1499C>T (p.Pro500Leu)

Gene: INF2 (inverted formin 2; plus strand). Cytogenetic location: 14q32.33.
Variant type: single nucleotide variant.
Coding change: c.1499C>T on transcript NM_022489.4 (MANE Select); coding-DNA position 1499, C replaced by T.
Protein change: p.Pro500Leu; replaces proline 500 with leucine.
Molecular consequence: missense variant.
Genome position (GRCh38, 1-based): chr14:104,707,766, C>T. VCF-style: chr14-104707766-C-T. GRCh37 (hg19) VCF-style: chr14-105174103-C-T.
Other names: c.1499C>T, p.Pro500Leu (NM_001031714.4); short protein forms P500L.
Identifiers: ClinVar variation 514976 (VCV000514976.26), dbSNP rs561201601, ClinGen allele CA7372577.

ClinVar aggregate classification (germline): Benign/Likely benign. Review status: criteria provided, multiple submitters, no conflicts (2 of 4 stars). 5 submissions from 5 submitters: Benign (2); Likely benign (2). 1 of the submissions does not count toward it. Last evaluated 2024-12-16.

Conditions:
Focal segmental glomerulosclerosis 5 (FSGS5). Identifiers: Orphanet 656, MedGen C2750475, MONDO:0013191, OMIM 613237.
Charcot-Marie-Tooth disease dominant intermediate E. Also called: CHARCOT-MARIE-TOOTH NEUROPATHY WITH FOCAL SEGMENTAL GLOMERULONEPHRITIS. Identifiers: Orphanet 93114, MedGen C4302667, MONDO:0013758, OMIM 614455.
INF2-related disorder. Also called: INF2-related condition.

Allele frequency attached by ClinVar (database versions not stated): gnomAD 0.00009 and 0.00011; 1000 Genomes Project 0.00020; gnomAD exomes 0.00033; ExAC 0.00093.
gnomAD v4.1: 230 of 1,314,478 alleles (0.017%); highest among the groups gnomAD compares: South Asian, 0.071%; 2 homozygotes.

Submissions (5):

Labcorp Genetics (formerly Invitae), Labcorp
Classification: Likely benign for Charcot-Marie-Tooth disease dominant intermediate E; Focal segmental glomerulosclerosis 5. Last evaluated: 2024-12-16. Review status: criteria provided, single submitter. Criteria: Invitae Variant Classification Sherloc (09022015). Collection method: clinical testing. Allele origin: germline.

GeneDx
Classification: Benign. Last evaluated: 2021-04-07. Review status: criteria provided, single submitter. Criteria: GeneDx Variant Classification Process June 2021. Collection method: clinical testing. Allele origin: germline. Affected: yes.

ARUP Laboratories, Molecular Genetics and Genomics, ARUP Laboratories
Classification: Likely benign. Last evaluated: 2019-02-11. Review status: criteria provided, single submitter. Criteria: ARUP Molecular Germline Variant Investigation Process. Collection method: clinical testing. Allele origin: germline.

Illumina Laboratory Services, Illumina
Classification: Benign for Focal segmental glomerulosclerosis 5. Last evaluated: 2018-01-13. Review status: criteria provided, single submitter. Criteria: ICSL Variant Classification Criteria 13 December 2019. Collection method: clinical testing. Allele origin: germline.
Comment: This variant was observed in the ICSL laboratory as part of a predisposition screen in an ostensibly healthy population. It had not been previously curated by ICSL or reported in the Human Gene Mutation Database (HGMD: prior to June 1st, 2018), and was therefore a candidate for classification through an automated scoring system. Utilizing variant allele frequency, disease prevalence and penetrance estimates, and inheritance mode, an automated score was calculated to assess if this variant is too frequent to cause the disease. Based on the score and internal cut-off values, a variant classified as benign is not then subjected to further curation. The score for this variant resulted in a classification of benign for this disease.

PreventionGenetics, part of Exact Sciences
Classification: Likely benign for INF2-related condition. Last evaluated: 2024-04-16. Review status: no assertion criteria provided. Collection method: clinical testing. Allele origin: germline. Not counted in ClinVar's aggregate classification.
Comment: This variant is classified as likely benign based on ACMG/AMP sequence variant interpretation guidelines (Richards et al. 2015 PMID: 25741868, with internal and published modifications).